The following is an entry in ClinVar:

ClinVar aggregate classification (germline): Uncertain significance (1 of 4 stars; one submission).

Conditions:
3-methylglutaconic aciduria, type VIIB (MGCA7B). Also called: CLPB Deficiency; 3-methylglutaconic aciduria with cataracts, neurologic involvement and neutropenia; 3-methylglutaconic aciduria, type VII, with cataracts, neurologic involvement and neutropenia. Identifiers: Orphanet 445038, MedGen C5676893, MONDO:0014561, OMIM 616271.

Allele frequency attached by ClinVar (database versions not stated): gnomAD 0.00001; TOPMed 0.00001.

Submission:

Labcorp Genetics (formerly Invitae), Labcorp
Classification: Uncertain significance for 3-methylglutaconic aciduria, type VIIB. Last evaluated: 2023-11-12. Review status: criteria provided, single submitter. Criteria: Invitae Variant Classification Sherloc (09022015). Collection method: clinical testing. Allele origin: germline.
Comment: This sequence change replaces serine, which is neutral and polar, with asparagine, which is neutral and polar, at codon 151 of the CLPB protein (p.Ser151Asn). This variant is not present in population databases (gnomAD no frequency). This variant has not been reported in the literature in individuals affected with CLPB-related conditions. Algorithms developed to predict the effect of missense changes on protein structure and function output the following: SIFT: "Not Available"; PolyPhen-2: "Benign"; Align-GVGD: "Not Available". The asparagine amino acid residue is found in multiple mammalian species, which suggests that this missense change does not adversely affect protein function. In summary, the available evidence is currently insufficient to determine the role of this variant in disease. Therefore, it has been classified as a Variant of Uncertain Significance.

NM_001258392.3(CLPB):c.452G>A (p.Ser151Asn)

Gene: CLPB (ClpB family mitochondrial disaggregase; minus strand). Cytogenetic location: 11q13.4.
Variant type: single nucleotide variant.
Coding change: c.452G>A on transcript NM_001258392.3 (MANE Select); coding-DNA position 452, G replaced by A.
Protein change: p.Ser151Asn; replaces serine 151 with asparagine.
Molecular consequence: missense variant. On other transcripts: synonymous variant (1).
Genome position (GRCh38, 1-based): chr11:72,430,315, C>T on the plus strand (G>A on the coding strand, the complement: CLPB is on the minus strand). VCF-style: chr11-72430315-C-T. GRCh37 (hg19) VCF-style: chr11-72141359-C-T.
Other names: c.452G>A, p.Ser151Asn (NM_001258393.3, NM_030813.6); c.210G>A, p.Gln70= (NM_001258394.3); short protein forms S151N.
Identifiers: ClinVar variation 2875917 (VCV002875917.3), dbSNP rs1856507870, ClinGen allele CA381962546.